The following is an entry in ClinVar:

ClinVar aggregate classification (germline): Uncertain significance (1 of 4 stars; one submission).

Allele frequency attached by ClinVar (database versions not stated): gnomAD 0.00001; ESP Exome Variant Server 0.00008.
gnomAD v4.1: 1 of 1,614,016 alleles (0.000062%); highest among the groups gnomAD compares: African/African-American, 0.0013%; no homozygotes.

Submission:

Labcorp Genetics (formerly Invitae), Labcorp
Classification: Uncertain significance. Last evaluated: 2023-06-15. Review status: criteria provided, single submitter. Criteria: Invitae Variant Classification Sherloc (09022015). Collection method: clinical testing. Allele origin: germline.
Comment: In summary, the available evidence is currently insufficient to determine the role of this variant in disease. Therefore, it has been classified as a Variant of Uncertain Significance. An algorithm developed to predict the effect of missense changes on protein structure and function (PolyPhen-2) suggests that this variant is likely to be disruptive. This variant has not been reported in the literature in individuals affected with RBP4-related conditions. This variant is not present in population databases (gnomAD no frequency). This sequence change replaces proline, which is neutral and non-polar, with leucine, which is neutral and non-polar, at codon 101 of the RBP4 protein (p.Pro101Leu).

NM_006744.4(RBP4):c.302C>T (p.Pro101Leu)

Gene: RBP4 (retinol binding protein 4; minus strand). Cytogenetic location: 10q23.33.
Variant type: single nucleotide variant.
Coding change: c.302C>T on transcript NM_006744.4 (MANE Select); coding-DNA position 302, C replaced by T.
Protein change: p.Pro101Leu; replaces proline 101 with leucine.
Molecular consequence: missense variant.
Genome position (GRCh38, 1-based): chr10:93,600,446, G>A on the plus strand (C>T on the coding strand, the complement: RBP4 is on the minus strand). VCF-style: chr10-93600446-G-A. GRCh37 (hg19) VCF-style: chr10-95360203-G-A.
Other names: c.302C>T, p.Pro101Leu (NM_001323517.1); c.296C>T, p.Pro99Leu (NM_001323518.2); short protein forms P99L, P101L.
Identifiers: ClinVar variation 2816562 (VCV002816562.3), dbSNP rs149091963, ClinGen allele CA211557779.
Genomic context (GRCh38, chr10:93,600,446, plus strand): 5'-TACTCACTTCCTTTCTGGAGAAAGGAGGCTACGCCCCAGTACTTCATCTTGAACTTGGCA[G>A]GGTCCTCGGTGTCTGTGAAGGTGCCCACCATGTCTGCGCACACGTCCCAGTTACTGCAAA-3'
Protein context (NP_006735.2, residues 91-111): MVGTFTDTED[Pro101Leu]AKFKMKYWGV